The following is an entry in ClinVar:

ClinVar aggregate classification (germline): Benign. Review status: criteria provided, multiple submitters, no conflicts (2 of 4 stars). 3 submissions from 3 submitters: Benign (2). 1 of the submissions does not count toward it. Last evaluated 2026-01-24.

Conditions:
PLXNA2-related disorder. Also called: PLXNA2-related condition.

Allele frequency attached by ClinVar (database versions not stated): ESP Exome Variant Server 0.01369; gnomAD 0.02493 and 0.02229; 1000 Genomes Project 0.04553; gnomAD exomes 0.02626 and 0.04388; ExAC 0.06093; 1000 Genomes Project 30x 0.04638; TOPMed 0.02923.
gnomAD v4.1: 41,992 of 1,601,622 alleles (2.6%); highest among the groups gnomAD compares: Admixed American, 10%; 1,091 homozygotes.

Submissions (3):

Labcorp Genetics (formerly Invitae), Labcorp
Classification: Benign. Last evaluated: 2026-01-24. Review status: criteria provided, single submitter. Criteria: Invitae Variant Classification Sherloc (09022015). Collection method: clinical testing. Allele origin: germline.

Breakthrough Genomics
Classification: Benign. Review status: criteria provided, single submitter. Criteria: ACMG Guidelines, 2015. Collection method: not provided. Allele origin: germline. Inheritance: Unknown mechanism. Affected: yes.

PreventionGenetics, part of Exact Sciences
Classification: Benign for PLXNA2-related condition. Last evaluated: 2022-08-01. Review status: no assertion criteria provided. Collection method: clinical testing. Allele origin: germline. Not counted in ClinVar's aggregate classification.
Comment: This variant is classified as benign based on ACMG/AMP sequence variant interpretation guidelines (Richards et al. 2015 PMID: 25741868, with internal and published modifications).

NM_025179.4(PLXNA2):c.2414C>G (p.Ala805Gly)

Gene: PLXNA2 (plexin A2; minus strand). Cytogenetic location: 1q32.2.
Variant type: single nucleotide variant.
Coding change: c.2414C>G on transcript NM_025179.4 (MANE Select); coding-DNA position 2414, C replaced by G.
Protein change: p.Ala805Gly; replaces alanine 805 with glycine.
Molecular consequence: missense variant.
Genome position (GRCh38, 1-based): chr1:208,079,432, G>C on the plus strand (C>G on the coding strand, the complement: PLXNA2 is on the minus strand). VCF-style: chr1-208079432-G-C. GRCh37 (hg19) VCF-style: chr1-208252777-G-C.
Other names: c.2414C>G (NM_025179.3); short protein forms A805G.
Identifiers: ClinVar variation 1164411 (VCV001164411.12), dbSNP rs17011882, ClinGen allele CA1373520.